The following is an entry in ClinVar:

ClinVar aggregate classification (germline): Conflicting classifications of pathogenicity. Review status: criteria provided, conflicting classifications (1 of 4 stars). 4 submissions from 4 submitters: Uncertain significance (2); Likely benign (2). Last evaluated 2026-01-05.

Conditions:
Inborn genetic diseases. Identifiers: MedGen C0950123, MeSH D030342.
GLUT1 deficiency syndrome 1, autosomal recessive. Identifiers: MedGen C3149117.

Allele frequency attached by ClinVar (database versions not stated): ExAC 0.00001; gnomAD 0.00001; gnomAD exomes 0.00001 and 0.00003; TOPMed 0.00001.
gnomAD v4.1: 48 of 1,613,908 alleles (0.003%); highest among the groups gnomAD compares: South Asian, 0.0055%; no homozygotes.

Submissions (4):

Labcorp Genetics (formerly Invitae), Labcorp
Classification: Uncertain significance for GLUT1 deficiency syndrome 1, autosomal recessive. Last evaluated: 2026-01-05. Review status: criteria provided, single submitter. Criteria: Invitae Variant Classification Sherloc (09022015). Collection method: clinical testing. Allele origin: germline.
Comment: This sequence change replaces arginine, which is basic and polar, with glutamine, which is neutral and polar, at codon 249 of the SLC2A1 protein (p.Arg249Gln). This variant is present in population databases (rs587784395, gnomAD 0.006%). This variant has not been reported in the literature in individuals affected with SLC2A1-related conditions. ClinVar contains an entry for this variant (Variation ID: 159927). Invitae Evidence Modeling incorporating data from in vitro experimental studies (internal data) indicates that this missense variant is not expected to disrupt SLC2A1 function with a negative predictive value of 95%. In summary, the available evidence is currently insufficient to determine the role of this variant in disease. Therefore, it has been classified as a Variant of Uncertain Significance.

Mayo Clinic Laboratories, Mayo Clinic
Classification: Uncertain significance. Last evaluated: 2020-11-03. Review status: criteria provided, single submitter. Criteria: ACMG Guidelines, 2015. Collection method: clinical testing. Allele origin: germline. Observed: 1 variant allele.

Ambry Genetics
Classification: Likely benign for Inborn genetic diseases. Last evaluated: 2019-10-22. Review status: criteria provided, single submitter. Criteria: Ambry Variant Classification Scheme 2023. Collection method: clinical testing. Allele origin: germline.

Genetic Services Laboratory, University of Chicago
Classification: Likely benign. Last evaluated: 2013-01-11. Review status: criteria provided, single submitter. Criteria: ACMG Guidelines, 2007. Collection method: clinical testing. Allele origin: germline. Inheritance: Autosomal dominant inheritance.
Comment: Likely benign based on allele frequency in 1000 Genomes Project or ESP global frequency and its presence in a patient with a rare or unrelated disease phenotype. NOT Sanger confirmed

NM_006516.4(SLC2A1):c.746G>A (p.Arg249Gln)

Gene: SLC2A1 (solute carrier family 2 member 1; minus strand). Cytogenetic location: 1p34.2.
Variant type: single nucleotide variant.
Coding change: c.746G>A on transcript NM_006516.4 (MANE Select); coding-DNA position 746, G replaced by A.
Protein change: p.Arg249Gln; replaces arginine 249 with glutamine.
Molecular consequence: missense variant.
Genome position (GRCh38, 1-based): chr1:42,929,714, C>T on the plus strand (G>A on the coding strand, the complement: SLC2A1 is on the minus strand). VCF-style: chr1-42929714-C-T. GRCh37 (hg19) VCF-style: chr1-43395385-C-T.
Other names: short protein forms R249Q.
Identifiers: ClinVar variation 159927 (VCV000159927.22), dbSNP rs587784395, ClinGen allele CA019296.